The following is an entry in ClinVar:

NM_012233.3(RAB3GAP1):c.1061G>A (p.Gly354Asp)

Gene: RAB3GAP1 (RAB3 GTPase activating protein catalytic subunit 1; plus strand). Cytogenetic location: 2q21.3.
Variant type: single nucleotide variant.
Coding change: c.1061G>A on transcript NM_012233.3 (MANE Select); coding-DNA position 1061, G replaced by A.
Protein change: p.Gly354Asp; replaces glycine 354 with aspartic acid.
Molecular consequence: missense variant.
Genome position (GRCh38, 1-based): chr2:135,130,082, G>A. VCF-style: chr2-135130082-G-A. GRCh37 (hg19) VCF-style: chr2-135887652-G-A.
Other names: c.1061G>A, p.Gly354Asp (NM_001172435.2); short protein forms G354D.
Identifiers: ClinVar variation 2194344 (VCV002194344.4), dbSNP rs1558790731, ClinGen allele CA348574022.

ClinVar aggregate classification (germline): Uncertain significance (1 of 4 stars; one submission).

Allele frequency attached by ClinVar (database versions not stated): gnomAD exomes 0.00002.
gnomAD v4.1: 26 of 1,610,676 alleles (0.0016%); highest among the groups gnomAD compares: Non-Finnish European, 0.002%; no homozygotes.

Submission:

Labcorp Genetics (formerly Invitae), Labcorp
Classification: Uncertain significance. Last evaluated: 2024-10-30. Review status: criteria provided, single submitter. Criteria: Invitae Variant Classification Sherloc (09022015). Collection method: clinical testing. Allele origin: germline.
Comment: This sequence change replaces glycine, which is neutral and non-polar, with aspartic acid, which is acidic and polar, at codon 354 of the RAB3GAP1 protein (p.Gly354Asp). This variant is not present in population databases (gnomAD no frequency). This variant has not been reported in the literature in individuals affected with RAB3GAP1-related conditions. ClinVar contains an entry for this variant (Variation ID: 2194344). Invitae Evidence Modeling of protein sequence and biophysical properties (such as structural, functional, and spatial information, amino acid conservation, physicochemical variation, residue mobility, and thermodynamic stability) indicates that this missense variant is not expected to disrupt RAB3GAP1 protein function with a negative predictive value of 80%. In summary, the available evidence is currently insufficient to determine the role of this variant in disease. Therefore, it has been classified as a Variant of Uncertain Significance.